The following is an entry in ClinVar:

NM_006031.6(PCNT):c.3192del (p.Ala1065fs)

Gene: PCNT (pericentrin; plus strand). Cytogenetic location: 21q22.3.
Variant type: Deletion.
Coding change: c.3192del on transcript NM_006031.6 (MANE Select); coding-DNA position 3192, one base deleted (T; older notation c.3192delT).
Protein change: p.Ala1065fs; shifts the reading frame from alanine 1065.
Molecular consequence: frameshift variant.
Genome position (GRCh38, 1-based): chr21:46,381,720, T deleted. VCF-style (leftmost placement, unchanged base first): chr21-46381719-CT-C. GRCh37 (hg19) VCF-style: chr21-47801634-CT-C.
Other names: c.2838del, p.Ala947fs (NM_001315529.2); short protein forms A1065fs, A947fs.
Identifiers: ClinVar variation 3349193 (VCV003349193.1).

ClinVar aggregate classification (germline): Likely pathogenic (0 of 4 stars; one submission).

Conditions:
PCNT-related disorder. Also called: PCNT-related condition.

Submission:

PreventionGenetics, part of Exact Sciences
Classification: Likely pathogenic for PCNT-related condition. Last evaluated: 2023-12-15. Review status: no assertion criteria provided. Collection method: clinical testing. Allele origin: germline.
Comment: The PCNT c.3192delT variant is predicted to result in a frameshift and premature protein termination (p.Ala1065Leufs*41). To our knowledge, this variant has not been reported in the literature or in a large population database, indicating this variant is rare. Frameshift variants in PCNT are expected to be pathogenic. This variant is interpreted as likely pathogenic.